The following is an entry in ClinVar:

ClinVar aggregate classification (germline): Uncertain significance (1 of 4 stars; one submission).

Conditions:
Inborn genetic diseases. Identifiers: MedGen C0950123, MeSH D030342.

Submission:

Ambry Genetics
Classification: Uncertain significance for Inborn genetic diseases. Last evaluated: 2025-01-27. Review status: criteria provided, single submitter. Criteria: Ambry Variant Classification Scheme 2023. Collection method: clinical testing. Allele origin: germline.
Comment: The c.964_965delTG (p.C322Qfs*82) alteration, located in exon 1 (coding exon 1) of the POU3F2 gene, consists of a deletion of 2 nucleotides from position 964 to 965, causing a translational frameshift with a predicted alternate stop codon after 82 amino acids. Premature stop codons are typically deleterious in nature; however, because POU3F2 is a single-exon gene this alteration is not expected to trigger nonsense-mediated mRNA decay and a(n) altered/truncated protein could still be expressed (Maquat, 2004). Additionally, loss of function of POU3F2 has not been established as a mechanism of disease. This variant was not reported in population-based cohorts in the Genome Aggregation Database (gnomAD). Based on insufficient or conflicting evidence, the clinical significance of this alteration remains unclear.

NM_005604.4(POU3F2):c.964_965del (p.Cys322fs)

Gene: POU3F2 (POU class 3 homeobox 2; plus strand). Cytogenetic location: 6q16.1.
Variant type: Microsatellite.
Coding change: c.964_965del on transcript NM_005604.4 (MANE Select); coding-DNA positions 964 to 965, 2 bases deleted (TG; older notation c.964_965delTG).
Protein change: p.Cys322fs; shifts the reading frame from cysteine 322.
Molecular consequence: frameshift variant.
Genome position (GRCh38, 1-based): chr6:98,835,837-98,835,838, TG deleted; deleting any 2 consecutive bases within chr6:98,835,835-98,835,838 gives the same sequence; the c. name uses the placement nearest the transcript's 3' end. VCF-style (leftmost placement, unchanged base first): chr6-98835834-ATG-A. GRCh37 (hg19) VCF-style: chr6-99283710-ATG-A.
Other names: short protein forms C322fs.
Identifiers: ClinVar variation 3782057 (VCV003782057.1).